The following is an entry in ClinVar:

ClinVar aggregate classification (germline): Uncertain significance. Review status: criteria provided, multiple submitters, no conflicts (2 of 4 stars). 2 submissions from 2 submitters: Uncertain significance (2). Last evaluated 2022-07-25.

Allele frequency attached by ClinVar (database versions not stated): TOPMed below 0.00001; gnomAD 0.00001; gnomAD exomes 0.00001 and 0.00002; ExAC 0.00004.
gnomAD v4.1: 14 of 1,613,468 alleles (0.00087%); highest among the groups gnomAD compares: South Asian, 0.0077%; no homozygotes.

Submissions (2):

Labcorp Genetics (formerly Invitae), Labcorp
Classification: Uncertain significance. Last evaluated: 2022-07-25. Review status: criteria provided, single submitter. Criteria: Invitae Variant Classification Sherloc (09022015). Collection method: clinical testing. Allele origin: germline.
Comment: This sequence change replaces arginine, which is basic and polar, with tryptophan, which is neutral and slightly polar, at codon 118 of the UNC119 protein (p.Arg118Trp). In summary, the available evidence is currently insufficient to determine the role of this variant in disease. Therefore, it has been classified as a Variant of Uncertain Significance. Algorithms developed to predict the effect of missense changes on protein structure and function are either unavailable or do not agree on the potential impact of this missense change (SIFT: "Not Available"; PolyPhen-2: "Benign"; Align-GVGD: "Not Available"). ClinVar contains an entry for this variant (Variation ID: 1053074). This variant has not been reported in the literature in individuals affected with UNC119-related conditions. This variant is present in population databases (rs752943228, gnomAD 0.007%).

Blueprint Genetics
Classification: Uncertain significance. Last evaluated: 2022-05-09. Review status: criteria provided, single submitter. Criteria: ACMG Guidelines, 2015. Collection method: clinical testing. Allele origin: germline.

NM_005148.4(UNC119):c.352C>T (p.Arg118Trp)

Gene: UNC119 (unc-119 lipid binding chaperone; minus strand). Cytogenetic location: 17q11.2.
Variant type: single nucleotide variant.
Coding change: c.352C>T on transcript NM_005148.4 (MANE Select); coding-DNA position 352, C replaced by T.
Protein change: p.Arg118Trp; replaces arginine 118 with tryptophan.
Molecular consequence: missense variant.
Genome position (GRCh38, 1-based): chr17:28,548,084, G>A on the plus strand (C>T on the coding strand, the complement: UNC119 is on the minus strand). VCF-style: chr17-28548084-G-A. GRCh37 (hg19) VCF-style: chr17-26875102-G-A.
Other names: c.67C>T, p.Arg23Trp (NM_001330166.2); c.352C>T, p.Arg118Trp (NM_054035.2); short protein forms R118W, R23W.
Identifiers: ClinVar variation 1053074 (VCV001053074.6), dbSNP rs752943228, ClinGen allele CA8459826.